The following is an entry in ClinVar:

ClinVar aggregate classification (germline): Pathogenic (1 of 4 stars; one submission).

Conditions:
Cornelia de Lange syndrome 1 (CDLS1). Also called: NIPBL-Related Cornelia de Lange Syndrome; Brachmann de Lange syndrome; TYPUS DEGENERATIVUS AMSTELODAMENSIS. Identifiers: Orphanet 199, MedGen C4551851, MONDO:0007387, OMIM 122470.

gnomAD v4.1: 1 of 1,611,300 alleles (0.000062%); highest among the groups gnomAD compares: Non-Finnish European, 0.000085%; no homozygotes.

Submission:

Center for Precision Medicine, University Hospital Brno
Classification: Pathogenic for Cornelia de Lange syndrome 1. Last evaluated: 2026-07-22. Review status: criteria provided, single submitter. Criteria: ACMG Guidelines, 2015. Collection method: clinical testing, in vitro. Allele origin: germline, not applicable. Inheritance: Autosomal dominant inheritance. Affected: yes. Functional consequence: activated cryptic splice donor.
Comment: The variant NM_133433.4:c.230+4A>G is a substitution located near the splicing site in intron 3. RNA analysis confirmed that the mutation leads to the loss of the consensus donor splice site and the use of a newly formed donor site located 4 bases downstream, r.230+1_230+4insGTAG. Consequently, this leads to a reading-frame shift and premature termination of translation (p.Ile77MetfsTer2). Acccording to ACGS Best Practice Guidelines for Variant Classification in Rare Disease (2024; extending ACMG/AMP Guidelines 2015), the PVS1 criterion may be applied, together with PS2 (the variant was detected de novo in the patient) and PP4 (the patient’s phenotype is typical of the Cornelia de Lange syndrome). The variant is therefore classified as pathogenic.

NM_133433.4(NIPBL):c.230+4A>G

Gene: NIPBL (NIPBL cohesin loading factor; plus strand). Cytogenetic location: 5p13.2.
Variant type: single nucleotide variant.
Coding change: c.230+4A>G on transcript NM_133433.4 (MANE Select); 4 bases into the intron after coding-DNA position 230, A replaced by G.
Molecular consequence: intron variant.
Genome position (GRCh38, 1-based): chr5:36,955,641, A>G. VCF-style: chr5-36955641-A-G. GRCh37 (hg19) VCF-style: chr5-36955743-A-G.
Other names: c.230+4A>G (NM_001438586.1, NM_015384.5).
Identifiers: ClinVar variation 4884625 (VCV004884625.1).